The following is an entry in ClinVar:

ClinVar aggregate classification (germline): Pathogenic (1 of 4 stars; one submission).

Conditions:
Tatton-Brown-Rahman overgrowth syndrome. Also called: Tall stature-intellectual disability-facial dysmorphism syndrome; Tatton-Brown-Rahman syndrome. Identifiers: Orphanet 404443, MedGen C4014545, MONDO:0014382, OMIM 615879.

Allele frequency attached by ClinVar (database versions not stated): gnomAD exomes below 0.00001; gnomAD 0.00001; ExAC 0.00002.

Submission:

Victorian Clinical Genetics Services, Murdoch Childrens Research Institute
Classification: Pathogenic for Tatton-Brown-Rahman overgrowth syndrome. Last evaluated: 2022-02-02. Review status: criteria provided, single submitter. Criteria: ACMG Guidelines, 2015. Collection method: clinical testing. Allele origin: germline. Inheritance: Autosomal dominant inheritance. Affected: yes.
Comment: Based on the classification scheme VCGS_Germline_v1.3.4, this variant is classified as Pathogenic. Following criteria are met: 0103 - Loss of function and gain of function are known mechanisms of disease in this gene and are associated with disease. Loss of function has been associated with Tatton-Brown-Rahman syndrome (MIM#615879) while gain of function has been associated with Heyn-Sproul-Jackson syndrome (MIM#618724) and demonstrated for two missense variants (PMID: 30478443). (I) 0107 - This gene is associated with autosomal dominant disease. (I) 0201 - Variant is predicted to cause nonsense-mediated decay (NMD) and loss of protein (premature termination codon is located at least 54 nucleotides upstream of the final exon-exon junction). (SP) 0251 - This variant is heterozygous. (I) 0302 - Variant is present in gnomAD (v3) <0.001 for a dominant condition (1 heterozygote, 0 homozygotes). (SP) 0701 - Other null variants comparable to the one identified in this case have very strong previous evidence for pathogenicity. There are at least ten NMD-predicted variants that been been classified as likely pathogenic or pathogenic (Clinvar, DECIPHER). (SP) 0807 - This variant has no previous evidence of pathogenicity. (I) 0905 - No published segregation evidence has been identified for this variant. (I) 1007 - No published functional evidence has been identified for this variant. (I) 1102 - Strong phenotype match for this individual. (SP) Legend: (SP) - Supporting pathogenic, (I) - Information, (SB) - Supporting benign

Literature cited by the submitters: PubMed 30478443.

NM_022552.5(DNMT3A):c.1243C>T (p.Gln415Ter)

Gene: DNMT3A (DNA methyltransferase 3 alpha; minus strand). Cytogenetic location: 2p23.3.
Variant type: single nucleotide variant.
Coding change: c.1243C>T on transcript NM_022552.5 (MANE Select); coding-DNA position 1243, C replaced by T.
Protein change: p.Gln415Ter; replaces glutamine 415 with a stop codon.
Molecular consequence: nonsense. On other transcripts: non-coding transcript variant (1).
Genome position (GRCh38, 1-based): chr2:25,246,656, G>A on the plus strand (C>T on the coding strand, the complement: DNMT3A is on the minus strand). VCF-style: chr2-25246656-G-A. GRCh37 (hg19) VCF-style: chr2-25469525-G-A.
Other names: c.787C>T, p.Gln263Ter (NM_001320893.1); c.574C>T, p.Gln192Ter (NM_001375819.1); c.676C>T, p.Gln226Ter (NM_153759.3); c.1243C>T, p.Gln415Ter (NM_175629.2); short protein forms Q192*, Q226*, Q263*, Q415*.
Identifiers: ClinVar variation 1699425 (VCV001699425.3), dbSNP rs754223052, ClinGen allele CA1556098.